The following is an entry in ClinVar:

NM_198859.4(PRICKLE2):c.215G>A (p.Arg72Gln)

Gene: PRICKLE2 (prickle planar cell polarity protein 2; minus strand). Cytogenetic location: 3p14.1.
Variant type: single nucleotide variant.
Coding change: c.215G>A on transcript NM_198859.4 (MANE Select); coding-DNA position 215, G replaced by A.
Protein change: p.Arg72Gln; replaces arginine 72 with glutamine.
Molecular consequence: missense variant.
Genome position (GRCh38, 1-based): chr3:64,163,059, C>T on the plus strand (G>A on the coding strand, the complement: PRICKLE2 is on the minus strand). VCF-style: chr3-64163059-C-T. GRCh37 (hg19) VCF-style: chr3-64148735-C-T.
Other names: c.215G>A, p.Arg72Gln (NM_001370528.1); short protein forms R72Q.
Identifiers: ClinVar variation 572356 (VCV000572356.6), dbSNP rs1559550002, ClinGen allele CA353437175.

ClinVar aggregate classification (germline): Uncertain significance (1 of 4 stars; one submission).

Conditions:
Progressive myoclonic epilepsy type 5. Identifiers: Orphanet 402082, MedGen C5190799.

Allele frequency attached by ClinVar (database versions not stated): gnomAD exomes below 0.00001; TOPMed 0.00001.
gnomAD v4.1: 2 of 1,614,054 alleles (0.00012%); highest among the groups gnomAD compares: Non-Finnish European, 0.00017%; no homozygotes.

Submission:

Labcorp Genetics (formerly Invitae), Labcorp
Classification: Uncertain significance for Progressive myoclonic epilepsy type 5. Last evaluated: 2018-06-04. Review status: criteria provided, single submitter. Criteria: Invitae Variant Classification Sherloc (09022015). Collection method: clinical testing. Allele origin: germline.
Comment: This variant is not present in population databases (ExAC no frequency). In summary, the available evidence is currently insufficient to determine the role of this variant in disease. Therefore, it has been classified as a Variant of Uncertain Significance. Algorithms developed to predict the effect of missense changes on protein structure and function (SIFT, PolyPhen-2, Align-GVGD) all suggest that this variant is likely to be disruptive, but these predictions have not been confirmed by published functional studies and their clinical significance is uncertain. This variant has not been reported in the literature in individuals with PRICKLE2-related disease. This sequence change replaces arginine with glutamine at codon 72 of the PRICKLE2 protein (p.Arg72Gln). The arginine residue is highly conserved and there is a small physicochemical difference between arginine and glutamine.